The following is an entry in ClinVar:

ClinVar aggregate classification (germline): Uncertain significance (1 of 4 stars; one submission).

Allele frequency attached by ClinVar (database versions not stated): TOPMed 0.00001.

Submission:

Labcorp Genetics (formerly Invitae), Labcorp
Classification: Uncertain significance. Last evaluated: 2024-02-23. Review status: criteria provided, single submitter. Criteria: Invitae Variant Classification Sherloc (09022015). Collection method: clinical testing. Allele origin: germline.
Comment: This sequence change replaces serine, which is neutral and polar, with cysteine, which is neutral and slightly polar, at codon 104 of the FAR1 protein (p.Ser104Cys). This variant is not present in population databases (gnomAD no frequency). This variant has not been reported in the literature in individuals affected with FAR1-related conditions. Advanced modeling of protein sequence and biophysical properties (such as structural, functional, and spatial information, amino acid conservation, physicochemical variation, residue mobility, and thermodynamic stability) performed at Invitae indicates that this missense variant is not expected to disrupt FAR1 protein function with a negative predictive value of 80%. In summary, the available evidence is currently insufficient to determine the role of this variant in disease. Therefore, it has been classified as a Variant of Uncertain Significance.

NM_032228.6(FAR1):c.311C>G (p.Ser104Cys)

Gene: FAR1 (fatty acyl-CoA reductase 1; plus strand). Cytogenetic location: 11p15.3.
Variant type: single nucleotide variant.
Coding change: c.311C>G on transcript NM_032228.6 (MANE Select); coding-DNA position 311, C replaced by G.
Protein change: p.Ser104Cys; replaces serine 104 with cysteine.
Molecular consequence: missense variant.
Genome position (GRCh38, 1-based): chr11:13,700,438, C>G. VCF-style: chr11-13700438-C-G. GRCh37 (hg19) VCF-style: chr11-13721985-C-G.
Other names: short protein forms S104C.
Identifiers: ClinVar variation 2799370 (VCV002799370.3), dbSNP rs887605479, ClinGen allele CA218129627.